The following is an entry in ClinVar:

NM_001267550.2(TTN):c.103644T>G (p.Tyr34548Ter)

Genes: TTN-AS1 (TTN antisense RNA 1; plus strand), TTN (titin; minus strand). Cytogenetic location: 2q31.2.
Variant type: single nucleotide variant.
Coding change: c.103644T>G on transcript NM_001267550.2 (MANE Select); coding-DNA position 103644, T replaced by G.
Protein change: p.Tyr34548Ter; replaces tyrosine 34548 with a stop codon.
Molecular consequence: nonsense.
Genome position (GRCh38, 1-based): chr2:178,532,971, A>C on the plus strand (T>G on the coding strand, the complement: TTN is on the minus strand). VCF-style: chr2-178532971-A-C. GRCh37 (hg19) VCF-style: chr2-179397698-A-C.
Other names: c.98721T>G, p.Tyr32907Ter (NM_001256850.1); c.76449T>G, p.Tyr25483Ter (NM_003319.4); c.95940T>G, p.Tyr31980Ter (NM_133378.4); c.76824T>G, p.Tyr25608Ter (NM_133432.3); c.77025T>G, p.Tyr25675Ter (NM_133437.4); short protein forms Y31980*, Y32907*, Y34548*, Y25675*, Y25483*, Y25608*.
Identifiers: ClinVar variation 2112078 (VCV002112078.4), dbSNP rs2154134774, ClinGen allele CA349413826.
Genomic context (GRCh38, chr2:178,532,971, plus strand): 5'-CATGTCAGACATGGGCACGAACTGCTTGATGCGTTGGTCTTCTTCTATGGTAGTCTGCTT[A>C]TACTTGCGTGGCTCTGGTACATCATAAGGCATCCGGAGTTTTCTCTCCTCCTTCTTTTCT-3'

ClinVar aggregate classification (germline): Likely pathogenic (1 of 4 stars; one submission).

Conditions:
Dilated cardiomyopathy 1G (CMD1G). Identifiers: Orphanet 154, MedGen C1858763, MONDO:0011400, OMIM 604145.
Autosomal recessive limb-girdle muscular dystrophy type 2J (LGMDR10). Also called: Limb-girdle muscular dystrophy, type 2J; MUSCULAR DYSTROPHY, LIMB-GIRDLE, AUTOSOMAL RECESSIVE 10. Identifiers: Orphanet 140922, MedGen C1837342, MONDO:0012127, OMIM 608807.

Allele frequency attached by ClinVar (database versions not stated): gnomAD exomes 0.00001.
gnomAD v4.1: 6 of 1,613,888 alleles (0.00037%); highest among the groups gnomAD compares: Non-Finnish European, 0.00051%; no homozygotes.

Submission:

Labcorp Genetics (formerly Invitae), Labcorp
Classification: Likely pathogenic for Dilated cardiomyopathy 1G; Autosomal recessive limb-girdle muscular dystrophy type 2J. Last evaluated: 2023-12-06. Review status: criteria provided, single submitter. Criteria: Invitae Variant Classification Sherloc (09022015). Collection method: clinical testing. Allele origin: germline.
Comment: This sequence change creates a premature translational stop signal (p.Tyr34548*) in the TTN gene. While this is not anticipated to result in nonsense mediated decay, it is expected to create a truncated TTN protein. This variant is not present in population databases (gnomAD no frequency). This variant has not been reported in the literature in individuals affected with TTN-related conditions. ClinVar contains an entry for this variant (Variation ID: 2112078). This variant is located in the M band of TTN (PMID: 25589632). Truncating variants in this region have been previously reported in individuals affected with autosomal recessive myopathy and muscular dystrophy (PMID: 18948003, 23975875, 24395473). Truncating variants in this region have also been identified in individuals affected with autosomal dominant dilated cardiomyopathy and/or cardio-related conditions (PMID: 27869827, 32964742). In summary, the currently available evidence indicates that the variant is pathogenic, but additional data are needed to prove that conclusively. Therefore, this variant has been classified as Likely Pathogenic.

Literature cited by the submitters: PubMed 25589632; PubMed 18948003; PubMed 23975875; PubMed 24395473; PubMed 27869827; PubMed 32964742.